The following is an entry in ClinVar:

NM_019844.4(SLCO1B3):c.759T>A (p.Arg253=)

Genes: SLCO1B3 (solute carrier organic anion transporter family member 1B3; plus strand), SLCO1B3-SLCO1B7 (SLCO1B3-SLCO1B7 readthrough; plus strand). Cytogenetic location: 12p12.2.
Variant type: single nucleotide variant.
Coding change: c.759T>A on transcript NM_019844.4 (MANE Select); coding-DNA position 759, T replaced by A.
Protein change: p.Arg253=; no amino-acid change (arginine 253 retained).
Molecular consequence: synonymous variant.
Genome position (GRCh38, 1-based): chr12:20,875,266, T>A. VCF-style: chr12-20875266-T-A. GRCh37 (hg19) VCF-style: chr12-21028200-T-A.
Other names: c.675T>A, p.Arg225= (NM_001349920.2).
Identifiers: ClinVar variation 307895 (VCV000307895.22), dbSNP rs61736830, ClinGen allele CA6475342.

ClinVar aggregate classification (germline): Benign. Review status: criteria provided, multiple submitters, no conflicts (2 of 4 stars). 4 submissions from 4 submitters: Benign (4). Last evaluated 2024-05-31.

Conditions:
Rotor syndrome (HBLRR). Also called: HYPERBILIRUBINEMIA, ROTOR TYPE, DIGENIC; HYPERBILIRUBINEMIA, ROTOR TYPE. Identifiers: Orphanet 3111, MedGen C0220991, MONDO:0009379, OMIM 237450.

Allele frequency attached by ClinVar (database versions not stated): ExAC 0.00254; gnomAD 0.00815 and 0.00862; TOPMed 0.00831; ESP Exome Variant Server 0.00923; 1000 Genomes Project 0.00998; 1000 Genomes Project 30x 0.01140.
gnomAD v4.1: 2,423 of 1,612,334 alleles (0.15%); highest among the groups gnomAD compares: African/African-American, 2.8%; 26 homozygotes.

Submissions (4):

ARUP Laboratories, Molecular Genetics and Genomics, ARUP Laboratories
Classification: Benign for Rotor syndrome. Last evaluated: 2024-05-31. Review status: criteria provided, single submitter. Criteria: ARUP Molecular Germline Variant Investigation Process 2024. Collection method: clinical testing. Allele origin: germline.

Labcorp Genetics (formerly Invitae), Labcorp
Classification: Benign. Last evaluated: 2019-12-31. Review status: criteria provided, single submitter. Criteria: Invitae Variant Classification Sherloc (09022015). Collection method: clinical testing. Allele origin: germline.

Illumina Laboratory Services, Illumina
Classification: Benign for Rotor syndrome. Last evaluated: 2018-01-13. Review status: criteria provided, single submitter. Criteria: ICSL Variant Classification Criteria 13 December 2019. Collection method: clinical testing. Allele origin: germline.
Comment: This variant was observed in the ICSL laboratory as part of a predisposition screen in an ostensibly healthy population. It had not been previously curated by ICSL or reported in the Human Gene Mutation Database (HGMD: prior to June 1st, 2018), and was therefore a candidate for classification through an automated scoring system. Utilizing variant allele frequency, disease prevalence and penetrance estimates, and inheritance mode, an automated score was calculated to assess if this variant is too frequent to cause the disease. Based on the score and internal cut-off values, a variant classified as benign is not then subjected to further curation. The score for this variant resulted in a classification of benign for this disease.

Breakthrough Genomics
Classification: Benign. Review status: criteria provided, single submitter. Criteria: ACMG Guidelines, 2015. Collection method: not provided. Allele origin: germline. Inheritance: Autosomal recessive inheritance. Affected: yes.